The following is an entry in ClinVar:

ClinVar aggregate classification (germline): Uncertain significance (1 of 4 stars; one submission).

Submission:

GeneDx
Classification: Uncertain significance. Last evaluated: 2025-03-05. Review status: criteria provided, single submitter. Criteria: GeneDx Variant Classification Process June 2021. Collection method: clinical testing. Allele origin: germline.
Comment: Has not been previously published as pathogenic or benign to our knowledge; Not observed at significant frequency in large population cohorts (gnomAD); In silico analysis supports that this missense variant has a deleterious effect on protein structure/function

NM_021072.4(HCN1):c.1250A>T (p.Tyr417Phe)

Gene: HCN1 (hyperpolarization activated cyclic nucleotide gated potassium channel 1; minus strand). Cytogenetic location: 5p12.
Variant type: single nucleotide variant.
Coding change: c.1250A>T on transcript NM_021072.4 (MANE Select); coding-DNA position 1250, A replaced by T.
Protein change: p.Tyr417Phe; replaces tyrosine 417 with phenylalanine.
Molecular consequence: missense variant.
Genome position (GRCh38, 1-based): chr5:45,353,227, T>A on the plus strand (A>T on the coding strand, the complement: HCN1 is on the minus strand). VCF-style: chr5-45353227-T-A. GRCh37 (hg19) VCF-style: chr5-45353329-T-A.
Other names: short protein forms Y417F.
Identifiers: ClinVar variation 1698306 (VCV001698306.3), dbSNP rs2111983197, ClinGen allele CA359702251.
Genomic context (GRCh38, chr5:45,353,227, plus strand): 5'-TGTTCATAGTAATCATGTATCTTCTGACGCATATCAGCTGGTAACTTATGGAATGACATG[T>A]ATTGTTCCACTTGCTTATACTGTAAGGAAGGGAAAATAAAATTAAAAAAAAACATTGTTA-3'
Protein context (NP_066550.2, residues 407-427): YQEKYKQVEQ[Tyr417Phe]MSFHKLPADM